The following is an entry in ClinVar:

ClinVar aggregate classification (germline): Likely benign. Review status: criteria provided, multiple submitters, no conflicts (2 of 4 stars). 3 submissions from 3 submitters: Likely benign (3). Last evaluated 2026-01-19.

Allele frequency attached by ClinVar (database versions not stated): gnomAD exomes 0.00001; ExAC 0.00006; TOPMed 0.00015; 1000 Genomes Project 30x 0.00016; 1000 Genomes Project 0.00020; gnomAD 0.00021.
gnomAD v4.1: 53 of 1,614,092 alleles (0.0033%); highest among the groups gnomAD compares: Admixed American, 0.04%; no homozygotes.

Submissions (3):

Labcorp Genetics (formerly Invitae), Labcorp
Classification: Likely benign. Last evaluated: 2026-01-19. Review status: criteria provided, single submitter. Criteria: Invitae Variant Classification Sherloc (09022015). Collection method: clinical testing. Allele origin: germline.

Mayo Clinic Laboratories, Mayo Clinic
Classification: Likely benign. Last evaluated: 2025-05-09. Review status: criteria provided, single submitter. Criteria: ACMG Guidelines, 2015. Collection method: clinical testing. Allele origin: germline. Observed: 1 variant allele.
Comment: BP4, BP7

Women's Health and Genetics/Laboratory Corporation of America, LabCorp
Classification: Likely benign. Last evaluated: 2024-11-05. Review status: criteria provided, single submitter. Criteria: LabCorp Variant Classification Summary - May 2015. Collection method: clinical testing. Allele origin: germline.

NM_001378457.1(DMXL2):c.5361T>C (p.Ser1787=)

Gene: DMXL2 (Dmx like 2; minus strand). Cytogenetic location: 15q21.2.
Variant type: single nucleotide variant.
Coding change: c.5361T>C on transcript NM_001378457.1 (MANE Select); coding-DNA position 5361, T replaced by C.
Protein change: p.Ser1787=; no amino-acid change (serine 1787 retained).
Molecular consequence: synonymous variant. On other transcripts: non-coding transcript variant (2).
Genome position (GRCh38, 1-based): chr15:51,486,194, A>G on the plus strand (T>C on the coding strand, the complement: DMXL2 is on the minus strand). VCF-style: chr15-51486194-A-G. GRCh37 (hg19) VCF-style: chr15-51778391-A-G.
Other names: p.Ser1787=; c.5361T>C (NM_001174116.2); c.5361T>C, p.Ser1787= (NM_001174116.3, NM_001378458.1, NM_001378459.1 and 4 more transcripts); c.3453T>C, p.Ser1151= (NM_001174117.3); c.3342T>C, p.Ser1114= (NM_001378460.1); c.5121T>C, p.Ser1707= (NM_001378464.1).
Identifiers: ClinVar variation 2187873 (VCV002187873.6), dbSNP rs555262379, ClinGen allele CA7561812.